The following is an entry in ClinVar:

ClinVar aggregate classification (germline): Uncertain significance (1 of 4 stars; one submission).

Conditions:
Atrial fibrillation, familial, 7 (ATFB7). Identifiers: MedGen C2677106, MONDO:0012828, OMIM 612240.

Submission:

Labcorp Genetics (formerly Invitae), Labcorp
Classification: Uncertain significance for Atrial fibrillation, familial, 7. Last evaluated: 2019-05-30. Review status: criteria provided, single submitter. Criteria: Invitae Variant Classification Sherloc (09022015). Collection method: clinical testing. Allele origin: germline.
Comment: This sequence change results in a premature translational stop signal in the KCNA5 gene (p.Glu224Argfs*134). While this is not anticipated to result in nonsense mediated decay, it is expected to disrupt the last 390 amino acids of the KCNA5 protein. This variant is not present in population databases (ExAC no frequency). This variant has not been reported in the literature in individuals with KCNA5-related conditions. Experimental studies and prediction algorithms are not available or were not evaluated for this variant, and the functional significance of the affected amino acid(s) is currently unknown. In summary, the available evidence is currently insufficient to determine the role of this variant in disease. Therefore, it has been classified as a Variant of Uncertain Significance.

NM_002234.4(KCNA5):c.670del (p.Glu224fs)

Gene: KCNA5 (potassium voltage-gated channel subfamily A member 5; plus strand). Cytogenetic location: 12p13.32.
Variant type: Deletion.
Coding change: c.670del on transcript NM_002234.4 (MANE Select); coding-DNA position 670, one base deleted (G; older notation c.670delG).
Protein change: p.Glu224fs; shifts the reading frame from glutamic acid 224.
Molecular consequence: frameshift variant.
Genome position (GRCh38, 1-based): chr12:5,044,817, G deleted; the last of 2 consecutive G bases (chr12:5,044,816-5,044,817); deleting either gives the same sequence. VCF-style (leftmost placement, unchanged base first): chr12-5044815-AG-A. GRCh37 (hg19) VCF-style: chr12-5153981-AG-A.
Other names: short protein forms E224fs.
Identifiers: ClinVar variation 935157 (VCV000935157.7), dbSNP rs1862754088, ClinGen allele CA1139662474.